The following is an entry in ClinVar:

ClinVar aggregate classification (germline): Uncertain significance. Review status: criteria provided, multiple submitters, no conflicts (2 of 4 stars). 2 submissions from 2 submitters: Uncertain significance (2). Last evaluated 2025-01-05.

Conditions:
Inborn genetic diseases. Identifiers: MedGen C0950123, MeSH D030342.

gnomAD v4.1: 4 of 1,614,188 alleles (0.00025%); highest among the groups gnomAD compares: Non-Finnish European, 0.00034%; no homozygotes.

Submissions (2):

Labcorp Genetics (formerly Invitae), Labcorp
Classification: Uncertain significance. Last evaluated: 2025-01-05. Review status: criteria provided, single submitter. Criteria: Invitae Variant Classification Sherloc (09022015). Collection method: clinical testing. Allele origin: germline.
Comment: This sequence change replaces serine, which is neutral and polar, with cysteine, which is neutral and slightly polar, at codon 224 of the EMC1 protein (p.Ser224Cys). This variant is present in population databases (no rsID available, gnomAD 0.0009%). This variant has not been reported in the literature in individuals affected with EMC1-related conditions. ClinVar contains an entry for this variant (Variation ID: 2073466). Invitae Evidence Modeling of protein sequence and biophysical properties (such as structural, functional, and spatial information, amino acid conservation, physicochemical variation, residue mobility, and thermodynamic stability) indicates that this missense variant is not expected to disrupt EMC1 protein function with a negative predictive value of 80%. In summary, the available evidence is currently insufficient to determine the role of this variant in disease. Therefore, it has been classified as a Variant of Uncertain Significance.

Ambry Genetics
Classification: Uncertain significance for Inborn genetic diseases. Last evaluated: 2024-06-07. Review status: criteria provided, single submitter. Criteria: Ambry Variant Classification Scheme 2023. Collection method: clinical testing. Allele origin: germline.

NM_015047.3(EMC1):c.671C>G (p.Ser224Cys)

Genes: EMC1 (ER membrane protein complex subunit 1; minus strand), EMC1-AS1 (EMC1 antisense RNA 1; plus strand). Cytogenetic location: 1p36.13.
Variant type: single nucleotide variant.
Coding change: c.671C>G on transcript NM_015047.3 (MANE Select); coding-DNA position 671, C replaced by G.
Protein change: p.Ser224Cys; replaces serine 224 with cysteine.
Molecular consequence: missense variant. On other transcripts: non-coding transcript variant (1).
Genome position (GRCh38, 1-based): chr1:19,240,412, G>C on the plus strand (C>G on the coding strand, the complement: EMC1 is on the minus strand). VCF-style: chr1-19240412-G-C. GRCh37 (hg19) VCF-style: chr1-19566906-G-C.
Other names: c.671C>G (NM_015047.1); c.671C>G, p.Ser224Cys (NM_001271427.2, NM_001271428.2, NM_001375820.1 and 1 more transcripts); c.605C>G, p.Ser202Cys (NM_001271429.2); short protein forms S224C, S202C.
Identifiers: ClinVar variation 2073466 (VCV002073466.5), dbSNP rs1280801312, ClinGen allele CA338769215.
Genomic context (GRCh38, chr1:19,240,412, plus strand): 5'-GAACGTGAGCTCGGGTCAGGACACACCAGGACAGCCTCATCCACCACACCACAGGCTCCA[G>C]ACAGGTGCTGCAGCCACGGAGTTGAAACCCTAACCTACAGAAAAGTCATCGTTAACAGGA-3'
Protein context (NP_055862.1, residues 214-234): RVSTPWLQHL[Ser224Cys]GACGVVDEAV